The following is an entry in ClinVar:

NM_001134363.3(RBM20):c.1946C>T (p.Thr649Ile)

Gene: RBM20 (RNA binding motif protein 20; plus strand). Cytogenetic location: 10q25.2.
Variant type: single nucleotide variant.
Coding change: c.1946C>T on transcript NM_001134363.3 (MANE Select); coding-DNA position 1946, C replaced by T.
Protein change: p.Thr649Ile; replaces threonine 649 with isoleucine.
Molecular consequence: missense variant.
Genome position (GRCh38, 1-based): chr10:110,812,343, C>T. VCF-style: chr10-110812343-C-T. GRCh37 (hg19) VCF-style: chr10-112572101-C-T.
Other names: short protein forms T649I.
Identifiers: ClinVar variation 3020918 (VCV003020918.3), dbSNP rs1396843474, ClinGen allele CA378370470.

ClinVar aggregate classification (germline): Uncertain significance (1 of 4 stars; one submission).

Conditions:
Dilated cardiomyopathy 1DD (CMD1DD). Identifiers: Orphanet 154, MedGen C2750995, MONDO:0013168, OMIM 613172.

Allele frequency attached by ClinVar (database versions not stated): TOPMed below 0.00001.

Submission:

Labcorp Genetics (formerly Invitae), Labcorp
Classification: Uncertain significance for Dilated cardiomyopathy 1DD. Last evaluated: 2024-01-25. Review status: criteria provided, single submitter. Criteria: Invitae Variant Classification Sherloc (09022015). Collection method: clinical testing. Allele origin: germline.
Comment: This sequence change replaces threonine, which is neutral and polar, with isoleucine, which is neutral and non-polar, at codon 649 of the RBM20 protein (p.Thr649Ile). This variant is not present in population databases (gnomAD no frequency). This variant has not been reported in the literature in individuals affected with RBM20-related conditions. Advanced modeling of protein sequence and biophysical properties (such as structural, functional, and spatial information, amino acid conservation, physicochemical variation, residue mobility, and thermodynamic stability) performed at Invitae indicates that this missense variant is not expected to disrupt RBM20 protein function with a negative predictive value of 95%. In summary, the available evidence is currently insufficient to determine the role of this variant in disease. Therefore, it has been classified as a Variant of Uncertain Significance.